The following is an entry in ClinVar:

ClinVar aggregate classification (germline): Pathogenic. Review status: criteria provided, multiple submitters, no conflicts (2 of 4 stars). 2 submissions from 2 submitters: Pathogenic (2). Last evaluated 2023-12-14.

Conditions:
Cardiovascular phenotype. Identifiers: MedGen CN230736.

Submissions (2):

Labcorp Genetics (formerly Invitae), Labcorp
Classification: Pathogenic. Last evaluated: 2023-12-14. Review status: criteria provided, single submitter. Criteria: Invitae Variant Classification Sherloc (09022015). Collection method: clinical testing. Allele origin: germline.
Comment: This sequence change creates a premature translational stop signal (p.Thr1600Alafs*96) in the ZNF469 gene. While this is not anticipated to result in nonsense mediated decay, it is expected to disrupt the last 2326 amino acid(s) of the ZNF469 protein. This variant is not present in population databases (gnomAD no frequency). This variant has not been reported in the literature in individuals affected with ZNF469-related conditions. This variant disrupts a region of the ZNF469 protein in which other variant(s) (p.Arg3414Glyfs*59) have been determined to be pathogenic (PMID: 32671420). This suggests that this is a clinically significant region of the protein, and that variants that disrupt it are likely to be disease-causing. For these reasons, this variant has been classified as Pathogenic.

Ambry Genetics
Classification: Pathogenic for Cardiovascular phenotype. Last evaluated: 2023-08-22. Review status: criteria provided, single submitter. Criteria: Ambry Variant Classification Scheme 2023. Collection method: clinical testing. Allele origin: germline.
Comment: The c.4798_4799delAC pathogenic mutation, located in coding exon 2 of the ZNF469 gene, results from a deletion of two nucleotides at nucleotide positions 4798 to 4799, causing a translational frameshift with a predicted alternate stop codon (p.T1600Afs*96). This alteration occurs at the 3' terminus of theZNF469 gene, is not expected to trigger nonsense-mediated mRNA decay, and impacts the last 2326 amino acids (59%) of the protein. However, premature stop codons are typically deleterious in nature and a significant portion of the protein is affected (Ambry internal data). This variant is considered to be rare based on population cohorts in the Genome Aggregation Database (gnomAD). Based on the supporting evidence, this alteration is interpreted as a disease-causing mutation.

Literature cited by the submitters: PubMed 32671420 (cited by Labcorp Genetics (formerly Invitae), Labcorp).

NM_001367624.2(ZNF469):c.4882_4883del (p.Thr1628fs)

Gene: ZNF469 (zinc finger protein 469; plus strand). Cytogenetic location: 16q24.2.
Variant type: Deletion.
Coding change: c.4882_4883del on transcript NM_001367624.2 (MANE Select); coding-DNA positions 4882 to 4883, 2 bases deleted (AC; older notation c.4882_4883delAC).
Protein change: p.Thr1628fs; shifts the reading frame from threonine 1628.
Molecular consequence: frameshift variant.
Genome position (GRCh38, 1-based): chr16:88,432,352-88,432,353, AC deleted; deleting any 2 consecutive bases within chr16:88,432,351-88,432,353 gives the same sequence; the c. name uses the placement nearest the transcript's 3' end. VCF-style (leftmost placement, unchanged base first): chr16-88432350-TCA-T. GRCh37 (hg19) VCF-style: chr16-88498758-TCA-T.
Other names: NM_001127464.1:c.4798_4799delAC; short protein forms T1628fs.
Identifiers: ClinVar variation 2626129 (VCV002626129.5), dbSNP rs2507588914, ClinGen allele CA2582342602.